The following is an entry in ClinVar:

ClinVar aggregate classification (germline): Uncertain significance (1 of 4 stars; one submission).

Conditions:
Inborn genetic diseases. Identifiers: MedGen C0950123, MeSH D030342.

gnomAD v4.1: 9 of 1,613,940 alleles (0.00056%); highest among the groups gnomAD compares: East Asian, 0.02%; no homozygotes.

Submission:

Ambry Genetics
Classification: Uncertain significance for Inborn genetic diseases. Last evaluated: 2025-12-02. Review status: criteria provided, single submitter. Criteria: Ambry Variant Classification Scheme 2023. Collection method: clinical testing. Allele origin: germline.
Comment: The p.S329R variant (also known as c.987C>A), located in coding exon 4 of the SH2B3 gene, results from a C to A substitution at nucleotide position 987. The serine at codon 329 is replaced by arginine, an amino acid with dissimilar properties. This amino acid position is conserved. In addition, this alteration is predicted to be tolerated by in silico analysis. Based on the available evidence, the clinical significance of this variant remains unclear.

NM_005475.3(SH2B3):c.987C>A (p.Ser329Arg)

Gene: SH2B3 (SH2B adaptor protein 3; plus strand). Cytogenetic location: 12q24.12.
Variant type: single nucleotide variant.
Coding change: c.987C>A on transcript NM_005475.3 (MANE Select); coding-DNA position 987, C replaced by A.
Protein change: p.Ser329Arg; replaces serine 329 with arginine.
Molecular consequence: missense variant.
Genome position (GRCh38, 1-based): chr12:111,447,185, C>A. VCF-style: chr12-111447185-C-A. GRCh37 (hg19) VCF-style: chr12-111884989-C-A.
Other names: c.381C>A, p.Ser127Arg (NM_001291424.1); short protein forms S127R, S329R.
Identifiers: ClinVar variation 4630774 (VCV004630774.1).